The following is an entry in ClinVar:

ClinVar aggregate classification (germline): Uncertain significance (1 of 4 stars; one submission).

Conditions:
Familial cancer of breast. Also called: hereditary breast carcinoma; Hereditary breast cancer; BREAST CANCER, FAMILIAL. Identifiers: Orphanet 227535, MedGen C0346153, MONDO:0016419, OMIM 114480. Disease mechanism: loss of function.

Submission:

Labcorp Genetics (formerly Invitae), Labcorp
Classification: Uncertain significance for Familial cancer of breast. Last evaluated: 2023-07-22. Review status: criteria provided, single submitter. Criteria: Invitae Variant Classification Sherloc (09022015). Collection method: clinical testing. Allele origin: germline.
Comment: In summary, the available evidence is currently insufficient to determine the role of this variant in disease. Therefore, it has been classified as a Variant of Uncertain Significance. This sequence change replaces leucine, which is neutral and non-polar, with arginine, which is basic and polar, at codon 1027 of the PALB2 protein (p.Leu1027Arg). This variant is not present in population databases (gnomAD no frequency). This missense change has been observed in individual(s) with breast cancer (PMID: 33811135). Advanced modeling of protein sequence and biophysical properties (such as structural, functional, and spatial information, amino acid conservation, physicochemical variation, residue mobility, and thermodynamic stability) performed at Invitae indicates that this missense variant is expected to disrupt PALB2 protein function. Experimental studies have shown that this missense change affects PALB2 function (PMID: 33811135).

Literature cited by the submitters: PubMed 33811135.

NM_024675.4(PALB2):c.3080T>G (p.Leu1027Arg)

Gene: PALB2 (partner and localizer of BRCA2; minus strand). Cytogenetic location: 16p12.2.
Variant type: single nucleotide variant.
Coding change: c.3080T>G on transcript NM_024675.4 (MANE Select); coding-DNA position 3080, T replaced by G.
Protein change: p.Leu1027Arg; replaces leucine 1027 with arginine.
Molecular consequence: missense variant. On other transcripts: intron variant (1).
Genome position (GRCh38, 1-based): chr16:23,621,395, A>C on the plus strand (T>G on the coding strand, the complement: PALB2 is on the minus strand). VCF-style: chr16-23621395-A-C. GRCh37 (hg19) VCF-style: chr16-23632716-A-C.
Other names: c.3020T>G, p.Leu1007Arg (NM_001407296.1); c.3008T>G, p.Leu1003Arg (NM_001407297.1); c.2918T>G, p.Leu973Arg (NM_001407298.1, NM_001407302.1); c.3080T>G, p.Leu1027Arg (NM_001407299.1, NM_001407301.1); c.2195T>G, p.Leu732Arg (NM_001407304.1, NM_001407305.1, NM_001407306.1 and 4 more transcripts); c.2033T>G, p.Leu678Arg (NM_001407307.1); c.1292T>G, p.Leu431Arg (NM_001407312.1, NM_001407313.1); c.614T>G, p.Leu205Arg (NM_001407314.1); and 1 more; short protein forms L1003R, L1007R, L1027R, L431R, L732R, L973R, L205R, L678R.
Identifiers: ClinVar variation 2745949 (VCV002745949.3), dbSNP rs2142326618, ClinGen allele CA395142903.
Genomic context (GRCh38, chr16:23,621,395, plus strand): 5'-AACTGAGGACCTAGAGGGAAAGCTTACCAAATAACAATGTTGTTCATAATAGTAGTACCA[A>C]GCAGAGCTTCTTGCATCCCTTGGACCTCAGCAAAAGTTAGTATAGTCTCCTCAGGGGGCA-3'
Protein context (NP_078951.2, residues 1017-1037): AEVQGMQEAL[Leu1027Arg]GTTIMNNIVI